The following is an entry in ClinVar:

NM_001165963.4(SCN1A):c.6016G>A (p.Ala2006Thr)

Genes: SCN1A (sodium voltage-gated channel alpha subunit 1; minus strand), LOC102724058 (uncharacterized LOC102724058; plus strand). Cytogenetic location: 2q24.3.
Variant type: single nucleotide variant.
Coding change: c.6016G>A on transcript NM_001165963.4 (MANE Select); coding-DNA position 6016, G replaced by A.
Protein change: p.Ala2006Thr; replaces alanine 2006 with threonine.
Molecular consequence: missense variant. On other transcripts: non-coding transcript variant (1).
Genome position (GRCh38, 1-based): chr2:165,991,259, C>T on the plus strand (G>A on the coding strand, the complement: SCN1A is on the minus strand). VCF-style: chr2-165991259-C-T. GRCh37 (hg19) VCF-style: chr2-166847769-C-T.
Other names: c.5932G>A, p.Ala1978Thr (NM_001165964.3, NM_001353957.2, NM_001353958.2); c.6016G>A, p.Ala2006Thr (NM_001202435.3, NM_001353948.2); c.5983G>A, p.Ala1995Thr (NM_001353949.2, NM_001353950.2, NM_001353951.2 and 2 more transcripts); c.5980G>A, p.Ala1994Thr (NM_001353954.2, NM_001353955.2); c.5929G>A, p.Ala1977Thr (NM_001353960.2); c.3574G>A, p.Ala1192Thr (NM_001353961.2); short protein forms A1192T, A1977T, A1978T, A1994T, A1995T, A2006T.
Identifiers: ClinVar variation 1709553 (VCV001709553.2), dbSNP rs2468322368, ClinGen allele CA349062910.
Genomic context (GRCh38, chr2:165,991,259, plus strand): 5'-CAGGCTGTAAACAATTTGTCACCCAATTATTTTTATTTATTTTCATTTATTTCCCTTTGG[C>T]TTTTTCATCTTTGCCTTCTTGCTCATGTTTTTCCACAATTGGCTTTGTCACCCGGTCATA-3'
Protein context (NP_001159435.1, residues 1996-2009): KHEQEGKDEK[Ala2006Thr]KGK

ClinVar aggregate classification (germline): Uncertain significance (1 of 4 stars; one submission).

Conditions:
Generalized epilepsy with febrile seizures plus, type 2 (GEFSP2). Also called: GEFS+, TYPE 2. Identifiers: Orphanet 36387, MedGen C1858673, MONDO:0011461, OMIM 604403.

Submission:

MGZ Medical Genetics Center
Classification: Uncertain significance for Generalized epilepsy with febrile seizures plus, type 2. Last evaluated: 2022-06-28. Review status: criteria provided, single submitter. Criteria: ACMG Guidelines, 2015. Collection method: clinical testing. Allele origin: germline. Affected: yes. Observed: 2 variant alleles.
Comment: ACMG criteria applied: PM2_SUP, PP2, PP3